The following is an entry in ClinVar:

NM_000540.3(RYR1):c.2672C>T (p.Thr891Ile)

Gene: RYR1 (ryanodine receptor 1; plus strand). Cytogenetic location: 19q13.2.
Variant type: single nucleotide variant.
Coding change: c.2672C>T on transcript NM_000540.3 (MANE Select); coding-DNA position 2672, C replaced by T.
Protein change: p.Thr891Ile; replaces threonine 891 with isoleucine.
Molecular consequence: missense variant.
Genome position (GRCh38, 1-based): chr19:38,463,517, C>T. VCF-style: chr19-38463517-C-T. GRCh37 (hg19) VCF-style: chr19-38954157-C-T.
Other names: c.2672C>T, p.Thr891Ile (NM_001042723.2); c.2672C>T (NM_000540.2); short protein forms T891I.
Identifiers: ClinVar variation 1054757 (VCV001054757.6), dbSNP rs1283564361, ClinGen allele CA405632111.

ClinVar aggregate classification (germline): Uncertain significance. Review status: criteria provided, multiple submitters, no conflicts (2 of 4 stars). 2 submissions from 2 submitters: Uncertain significance (2). Last evaluated 2023-03-27.

Conditions:
RYR1-related disorder. Also called: RYR1-related condition; RYR1-related disorders. Identifiers: MedGen CN239331.

Allele frequency attached by ClinVar (database versions not stated): gnomAD exomes below 0.00001; TOPMed below 0.00001; gnomAD 0.00001.
gnomAD v4.1: 2 of 1,612,202 alleles (0.00012%); highest among the groups gnomAD compares: Non-Finnish European, 0.00017%; no homozygotes.

Submissions (2):

GeneDx
Classification: Uncertain significance. Last evaluated: 2023-03-27. Review status: criteria provided, single submitter. Criteria: GeneDx Variant Classification Process June 2021. Collection method: clinical testing. Allele origin: germline. Affected: yes.
Comment: Not observed at significant frequency in large population cohorts (gnomAD); In silico analysis supports that this missense variant has a deleterious effect on protein structure/function; Has not been previously published as pathogenic or benign to our knowledge

Labcorp Genetics (formerly Invitae), Labcorp
Classification: Uncertain significance for RYR1-related disorder. Last evaluated: 2021-08-30. Review status: criteria provided, single submitter. Criteria: Invitae Variant Classification Sherloc (09022015). Collection method: clinical testing. Allele origin: germline.
Comment: This sequence change replaces threonine with isoleucine at codon 891 of the RYR1 protein (p.Thr891Ile). The threonine residue is highly conserved and there is a moderate physicochemical difference between threonine and isoleucine. This variant is not present in population databases (ExAC no frequency). This variant has not been reported in the literature in individuals affected with RYR1-related conditions. Algorithms developed to predict the effect of missense changes on protein structure and function are either unavailable or do not agree on the potential impact of this missense change (SIFT: "Deleterious"; PolyPhen-2: "Possibly Damaging"; Align-GVGD: "Class C0"). In summary, the available evidence is currently insufficient to determine the role of this variant in disease. Therefore, it has been classified as a Variant of Uncertain Significance.